The following is an entry in ClinVar:

NM_021008.4(DEAF1):c.998-2A>G

Gene: DEAF1 (DEAF1 transcription factor; minus strand). Cytogenetic location: 11p15.5.
Variant type: single nucleotide variant.
Coding change: c.998-2A>G on transcript NM_021008.4 (MANE Select); the canonical splice acceptor site of the intron before coding-DNA position 998, A replaced by G.
Molecular consequence: splice acceptor variant.
Genome position (GRCh38, 1-based): chr11:679,818, T>C on the plus strand (A>G on the coding strand, the complement: DEAF1 is on the minus strand). VCF-style: chr11-679818-T-C. GRCh37 (hg19) VCF-style: chr11-679818-T-C.
Other names: c.272-2A>G (NM_001367390.1, NM_001440885.1, NM_001440887.1 and 1 more transcripts); c.731-2A>G (NM_001293634.2); c.998-2A>G (NM_001440884.1, NM_001440883.1).
Identifiers: ClinVar variation 1704113 (VCV001704113.6), dbSNP rs1172997135, ClinGen allele CA378926745.

ClinVar aggregate classification (germline): Likely pathogenic. Review status: criteria provided, multiple submitters, no conflicts (2 of 4 stars). 2 submissions from 2 submitters: Likely pathogenic (2). Last evaluated 2022-11-24.

Allele frequency attached by ClinVar (database versions not stated): gnomAD 0.00001; TOPMed 0.00002.
gnomAD v4.1: 3 of 1,613,112 alleles (0.00019%); highest among the groups gnomAD compares: Non-Finnish European, 0.00025%; no homozygotes.

Submissions (2):

Labcorp Genetics (formerly Invitae), Labcorp
Classification: Likely pathogenic. Last evaluated: 2022-11-24. Review status: criteria provided, single submitter. Criteria: Invitae Variant Classification Sherloc (09022015). Collection method: clinical testing. Allele origin: germline.
Comment: Algorithms developed to predict the effect of sequence changes on RNA splicing suggest that this variant may disrupt the consensus splice site. This sequence change affects an acceptor splice site in intron 7 of the DEAF1 gene. It is expected to disrupt RNA splicing. Variants that disrupt the donor or acceptor splice site typically lead to a loss of protein function (PMID: 16199547), and loss-of-function variants in DEAF1 are known to be pathogenic (PMID: 30923367). This variant is not present in population databases (gnomAD no frequency). This variant has not been reported in the literature in individuals affected with DEAF1-related conditions. ClinVar contains an entry for this variant (Variation ID: 1704113). In summary, the currently available evidence indicates that the variant is pathogenic, but additional data are needed to prove that conclusively. Therefore, this variant has been classified as Likely Pathogenic.

GeneDx
Classification: Likely pathogenic. Last evaluated: 2022-09-02. Review status: criteria provided, single submitter. Criteria: GeneDx Variant Classification Process June 2021. Collection method: clinical testing. Allele origin: germline. Affected: yes.
Comment: Canonical splice site variant expected to result in aberrant splicing, although in the absence of functional evidence the actual effect of this sequence change is unknown.; Not observed in large population cohorts (gnomAD); Has not been previously published as pathogenic or benign to our knowledge

Literature cited by the submitters: PubMed 16199547 (cited by Labcorp Genetics (formerly Invitae), Labcorp); PubMed 30923367 (cited by Labcorp Genetics (formerly Invitae), Labcorp).